The following is an entry in ClinVar:

NM_006295.3(VARS1):c.1277G>A (p.Arg426Gln)

Gene: VARS1 (valyl-tRNA synthetase 1; minus strand). Cytogenetic location: 6p21.33.
Variant type: single nucleotide variant.
Coding change: c.1277G>A on transcript NM_006295.3 (MANE Select); coding-DNA position 1277, G replaced by A.
Protein change: p.Arg426Gln; replaces arginine 426 with glutamine.
Molecular consequence: missense variant.
Genome position (GRCh38, 1-based): chr6:31,785,316, C>T on the plus strand (G>A on the coding strand, the complement: VARS1 is on the minus strand). VCF-style: chr6-31785316-C-T. GRCh37 (hg19) VCF-style: chr6-31753093-C-T.
Other names: short protein forms R426Q.
Identifiers: ClinVar variation 2571933 (VCV002571933.4), dbSNP rs141442235, ClinGen allele CA3723351.
Genomic context (GRCh38, chr6:31,785,316, plus strand): 5'-GTGAAACAGGCTCGATCCCAGTCCAAGGAGCTGCCAAGCTTCTTCAACTGGTGGTAAATC[C>T]GGTCACCTTTCCTGGAAGCAGACAGGCTGAGGTCAGCACTCGTGCCTGGGCTAGAGGGAG-3'
Protein context (NP_006286.1, residues 416-436): VWKWKEEKGD[Arg426Gln]IYHQLKKLGS

ClinVar aggregate classification (germline): Uncertain significance. Review status: criteria provided, multiple submitters, no conflicts (2 of 4 stars). 3 submissions from 3 submitters: Uncertain significance (2). 1 of the submissions does not count toward it. Last evaluated 2023-01-09.

Conditions:
VARS1-related disorder. Also called: VARS1-related condition.

Allele frequency attached by ClinVar (database versions not stated): gnomAD exomes 0.00009; ExAC 0.00022; 1000 Genomes Project 0.00040; 1000 Genomes Project 30x 0.00047; ESP Exome Variant Server 0.00059; gnomAD 0.00090; TOPMed 0.00116.
gnomAD v4.1: 272 of 1,613,060 alleles (0.017%); highest among the groups gnomAD compares: African/African-American, 0.33%; 2 homozygotes.

Submissions (3):

GeneDx
Classification: Uncertain significance. Last evaluated: 2023-01-09. Review status: criteria provided, single submitter. Criteria: GeneDx Variant Classification Process June 2021. Collection method: clinical testing. Allele origin: germline. Affected: yes.
Comment: In silico analysis supports that this missense variant has a deleterious effect on protein structure/function; Has not been previously published as pathogenic or benign to our knowledge

Blueprint Genetics
Classification: Uncertain significance. Last evaluated: 2022-12-05. Review status: criteria provided, single submitter. Criteria: ACMG Guidelines, 2015. Collection method: clinical testing. Allele origin: germline.

PreventionGenetics, part of Exact Sciences
Classification: Likely benign for VARS1-related condition. Last evaluated: 2023-02-28. Review status: no assertion criteria provided. Collection method: clinical testing. Allele origin: germline. Not counted in ClinVar's aggregate classification.
Comment: This variant is classified as likely benign based on ACMG/AMP sequence variant interpretation guidelines (Richards et al. 2015 PMID: 25741868, with internal and published modifications).